The following is an entry in ClinVar:

NM_004637.6(RAB7A):c.-8-12T>C

Gene: RAB7A (RAB7A, member RAS oncogene family; plus strand). Cytogenetic location: 3q21.3.
Variant type: single nucleotide variant.
Coding change: c.-8-12T>C on transcript NM_004637.6 (MANE Select); 12 bases into the intron before 8 bases upstream of the start codon, T replaced by C.
Molecular consequence: intron variant.
Genome position (GRCh38, 1-based): chr3:128,795,348, T>C. VCF-style: chr3-128795348-T-C. GRCh37 (hg19) VCF-style: chr3-128514191-T-C.
Identifiers: ClinVar variation 382633 (VCV000382633.1), dbSNP rs1057521402, ClinGen allele CA16604808.

ClinVar aggregate classification (germline): Likely benign (1 of 4 stars; one submission).

Allele frequency attached by ClinVar (database versions not stated): gnomAD exomes below 0.00001.
gnomAD v4.1: 6 of 1,607,728 alleles (0.00037%); highest among the groups gnomAD compares: Non-Finnish European, 0.00051%; no homozygotes.

Submission:

GeneDx
Classification: Likely benign. Last evaluated: 2015-12-31. Review status: criteria provided, single submitter. Criteria: GeneDx Variant Classification (06012015). Collection method: clinical testing. Allele origin: germline. Affected: yes.
Comment: This variant is considered likely benign or benign based on one or more of the following criteria: it is a conservative change, it occurs at a poorly conserved position in the protein, it is predicted to be benign by multiple in silico algorithms, and/or has population frequency not consistent with disease.